The following is an entry in ClinVar:

ClinVar aggregate classification (germline): Benign. Review status: criteria provided, multiple submitters, no conflicts (2 of 4 stars). 7 submissions from 7 submitters: Benign (4). 3 of the submissions do not count toward it. Last evaluated 2026-02-03.

Conditions:
IDS-related disorder. Also called: IDS-related condition.
Inborn genetic diseases. Identifiers: MedGen C0950123, MeSH D030342.
Mucopolysaccharidosis, MPS-II (MPS2). Also called: IDS deficiency; Sulfoiduronate sulfatase deficiency; SIDS deficiency; Mucopolysaccharidosis with skin involvement; Mucopolysaccharidosis type 2; Attenuated MPS (subtype; formerly known as mild MPS II). Identifiers: Orphanet 580, Orphanet 79388, MedGen C0026705, MONDO:0010674, OMIM 309900.
Mucopolysaccharidosis, MPS-III-A (MPS3A). Also called: HEPARAN SULFATE SULFATASE DEFICIENCY; MUCOPOLYSACCHARIDOSIS, TYPE IIIA, ATTENUATED; Mucopolysaccharidosis, type IIIA; SANFILIPPO SYNDROME A; SULFAMIDASE DEFICIENCY; Mucopolysaccharidosis type IIIA (Sanfilippo A). Identifiers: Orphanet 581, Orphanet 79269, MedGen C0086647, MONDO:0009655, OMIM 252900.

Allele frequency attached by ClinVar (database versions not stated): 1000 Genomes Project 30x 0.00999; 1000 Genomes Project 0.01060; ESP Exome Variant Server 0.01136; gnomAD 0.00829 and 0.00765; TOPMed 0.00910.
gnomAD v4.1: 1,591 of 1,183,684 alleles (0.13%); highest among the groups gnomAD compares: African/African-American, 2.5%; 10 homozygotes.

Submissions (7):

Labcorp Genetics (formerly Invitae), Labcorp
Classification: Benign for Mucopolysaccharidosis, MPS-II. Last evaluated: 2026-02-03. Review status: criteria provided, single submitter. Criteria: Invitae Variant Classification Sherloc (09022015). Collection method: clinical testing. Allele origin: germline.

GeneDx
Classification: Benign. Last evaluated: 2021-07-20. Review status: criteria provided, single submitter. Criteria: GeneDx Variant Classification Process June 2021. Collection method: clinical testing. Allele origin: germline. Affected: yes.

Ambry Genetics
Classification: Benign for Inborn genetic diseases. Last evaluated: 2016-04-15. Review status: criteria provided, single submitter. Criteria: Ambry Variant Classification Scheme 2023. Collection method: clinical testing. Allele origin: germline.

Breakthrough Genomics
Classification: Benign. Review status: criteria provided, single submitter. Criteria: ACMG Guidelines, 2015. Collection method: not provided. Allele origin: germline. Inheritance: X-linked inheritance. Affected: yes.

Natera, Inc.
Classification: Benign for Mucopolysaccharidosis type IIIA. Last evaluated: 2020-07-21. Review status: no assertion criteria provided. Collection method: clinical testing. Allele origin: germline. Not counted in ClinVar's aggregate classification.

PreventionGenetics, part of Exact Sciences
Classification: Benign for IDS-related condition. Last evaluated: 2020-01-21. Review status: no assertion criteria provided. Collection method: clinical testing. Allele origin: germline. Not counted in ClinVar's aggregate classification.
Comment: This variant is classified as benign based on ACMG/AMP sequence variant interpretation guidelines (Richards et al. 2015 PMID: 25741868, with internal and published modifications).

Mayo Clinic Laboratories, Mayo Clinic
Classification: Benign. Last evaluated: 2017-09-27. Review status: no assertion criteria provided. Collection method: clinical testing. Allele origin: unknown. Not counted in ClinVar's aggregate classification.

NM_000202.8(IDS):c.465T>A (p.Phe155Leu)

Genes: IDS (iduronate 2-sulfatase; minus strand), LOC106050102 (IDS recombination region; plus strand). Cytogenetic location: Xq28.
Variant type: single nucleotide variant.
Coding change: c.465T>A on transcript NM_000202.8 (MANE Select); coding-DNA position 465, T replaced by A.
Protein change: p.Phe155Leu; replaces phenylalanine 155 with leucine.
Molecular consequence: missense variant. On other transcripts: non-coding transcript variant (1).
Genome position (GRCh38, 1-based): chrX:149,500,991, A>T on the plus strand (T>A on the coding strand, the complement: IDS is on the minus strand). VCF-style: chrX-149500991-A-T. GRCh37 (hg19) VCF-style: chrX-148582522-A-T.
Other names: c.195T>A, p.Phe65Leu (NM_001166550.4); c.465T>A, p.Phe155Leu (NM_006123.5); c.465T>A (NM_000202.7); short protein forms F155L, F65L.
Identifiers: ClinVar variation 457354 (VCV000457354.58), dbSNP rs149210251, ClinGen allele CA10537655.